The following is an entry in ClinVar:

NM_001750.7(CAST):c.138+8410A>G

Gene: CAST (calpastatin; plus strand). Cytogenetic location: 5q15.
Variant type: single nucleotide variant.
Coding change: c.138+8410A>G on transcript NM_001750.7 (MANE Select); 8410 bases into the intron after coding-DNA position 138, A replaced by G.
Molecular consequence: intron variant.
Genome position (GRCh38, 1-based): chr5:96,684,011, A>G. VCF-style: chr5-96684011-A-G. GRCh37 (hg19) VCF-style: chr5-96019715-A-G.
Other names: c.-112+8410A>G (NM_001423254.1, NM_001423259.1, NM_001423255.1 and 7 more transcripts); c.-40+8410A>G (NM_001423253.1); c.-39-38628A>G (NM_001423258.1); c.138+8410A>G (NM_001042441.3, NM_001330626.2, NM_001042442.3 and 2 more transcripts); c.93+8410A>G (NM_001330629.2, NM_001375317.1, NM_001330628.2).
Identifiers: ClinVar variation 3902043 (VCV003902043.1).

ClinVar aggregate classification (germline): Uncertain significance (1 of 4 stars; one submission).

Conditions:
Peeling skin-leukonuchia-acral punctate keratoses-cheilitis-knuckle pads syndrome. Also called: Peeling skin with leukonychia, acral punctate keratoses, cheilitis, and knuckle pads. Identifiers: Orphanet 444138, MedGen C4225381, MONDO:0014574, OMIM 616295.

gnomAD v4.1: 2 of 152,200 alleles (0.0013%); highest among the groups gnomAD compares: African/African-American, 0.0024%; no homozygotes.

Submission:

Laboratorio de Genetica e Diagnostico Molecular, Hospital Israelita Albert Einstein
Classification: Uncertain significance for Peeling skin-leukonuchia-acral punctate keratoses-cheilitis-knuckle pads syndrome. Last evaluated: 2024-08-08. Review status: criteria provided, single submitter. Criteria: ACMG Guidelines, 2015. Collection method: clinical testing. Allele origin: germline. Affected: yes.
Comment: ACMG classification criteria: PM2 supporting